The following is an entry in ClinVar:

ClinVar aggregate classification (germline): Likely benign (0 of 4 stars; one submission).

Conditions:
TSHZ3-related disorder. Also called: TSHZ3-related condition.

Allele frequency attached by ClinVar (database versions not stated): gnomAD exomes 0.00010; ExAC 0.00027; 1000 Genomes Project 0.00060; 1000 Genomes Project 30x 0.00078; gnomAD 0.00109; TOPMed 0.00116; ESP Exome Variant Server 0.00131.
gnomAD v4.1: 302 of 1,595,278 alleles (0.019%); highest among the groups gnomAD compares: African/African-American, 0.38%; no homozygotes.

Submission:

PreventionGenetics, part of Exact Sciences
Classification: Likely benign for TSHZ3-related condition. Last evaluated: 2024-02-18. Review status: no assertion criteria provided. Collection method: clinical testing. Allele origin: germline.
Comment: This variant is classified as likely benign based on ACMG/AMP sequence variant interpretation guidelines (Richards et al. 2015 PMID: 25741868, with internal and published modifications).

NM_020856.4(TSHZ3):c.2208C>T (p.Ala736=)

Gene: TSHZ3 (teashirt zinc finger homeobox 3; minus strand). Cytogenetic location: 19q12.
Variant type: single nucleotide variant.
Coding change: c.2208C>T on transcript NM_020856.4 (MANE Select); coding-DNA position 2208, C replaced by T.
Protein change: p.Ala736=; no amino-acid change (alanine 736 retained).
Molecular consequence: synonymous variant.
Genome position (GRCh38, 1-based): chr19:31,277,585, G>A on the plus strand (C>T on the coding strand, the complement: TSHZ3 is on the minus strand). VCF-style: chr19-31277585-G-A. GRCh37 (hg19) VCF-style: chr19-31768491-G-A.
Identifiers: ClinVar variation 3037864 (VCV003037864.2), dbSNP rs139947200, ClinGen allele CA9354112.
Genomic context (GRCh38, chr19:31,277,585, plus strand): 5'-GCTGTTGCTCATCTTGAAAAGCATGCTCATGGGGTCCAGGGCAGGCAGGGAGGGCTTGGC[G>A]GCCTTGCCCAGGTGAATGTTCATGACTGACTGCAGGGCGCTCAAAGGGTTAACAAAAGGC-3'
Protein context (NP_065907.2, residues 726-746): QSVMNIHLGK[Ala736=]AKPSLPALDP